The following is an entry in ClinVar:

ClinVar aggregate classification (germline): Pathogenic (1 of 4 stars; one submission).

Conditions:
Intellectual disability-severe speech delay-mild dysmorphism syndrome (IDDLA). Also called: Intellectual developmental disorder with language impairment AND with or without autistic features; FOXP1 Syndrome; Mental retardation with language impairment and autistic features. Identifiers: Orphanet 391372, MedGen C4013764, MONDO:0013352, OMIM 613670.

Submission:

University of Washington Department of Laboratory Medicine, University of Washington
Classification: Pathogenic for Intellectual disability-severe speech delay-mild dysmorphism syndrome. Last evaluated: 2022-09-21. Review status: criteria provided, single submitter. Criteria: ACMG Guidelines, 2015. Collection method: clinical testing. Allele origin: de novo. Affected: yes.
Comment: This variant was absent from large population databases, including the Genome Aggregation Database. The p.Thr587Leufs*13 variant results in a 2 bp insertion in exon 20 of 21 exons, which causes a shift in the protein reading frame, leading to a premature termination codon 13 amino acids downstream. Nonsense-mediated decay resulting in a truncated or absent protein is predicted with this variant. These predictions have not been tested directly. Heterozygous loss of function leading to haploinsufficiency of the FOXP1 gene is an established mechanism of disease. Using ACMG guidelines, this variant was classified as pathogenic for autosomal dominant FOXP1 syndrome (ACMG evidence codes used: PVS1, PS2_supporting, PM2_supporting).

NM_001349338.3(FOXP1):c.1750_1751dup (p.Thr587fs)

Gene: FOXP1 (forkhead box P1; minus strand). Cytogenetic location: 3p13.
Variant type: Microsatellite.
Coding change: c.1750_1751dup on transcript NM_001349338.3 (MANE Select); coding-DNA positions 1750 to 1751, 2 bases duplicated (CT; older notation c.1750_1751dupCT).
Protein change: p.Thr587fs; shifts the reading frame from threonine 587.
Molecular consequence: frameshift variant. On other transcripts: non-coding transcript variant (2).
Genome position (GRCh38, 1-based): chr3:70,966,028-70,966,029, AG duplicated on the plus strand (CT on the coding strand, the reverse complement: FOXP1 is on the minus strand); duplicating any 2 consecutive bases within chr3:70,966,028-70,966,031 gives the same sequence; the c. name uses the placement nearest the transcript's 3' end. VCF-style (leftmost placement, unchanged base first): chr3-70966027-T-TAG. GRCh37 (hg19) VCF-style: chr3-71015178-T-TAG.
Other names: c.1750_1751dup, p.Thr587fs (NM_001349340.3, NM_032682.6, NM_001244814.3 and 1 more transcripts); c.1747_1748dup, p.Thr586fs (NM_001349341.3, NM_001244808.3); c.1450_1451dup, p.Thr487fs (NM_001349342.3, NM_001244813.3, NM_001244815.2); c.1447_1448dup, p.Thr486fs (NM_001349343.3, NM_001349344.3, NM_001370548.1 and 1 more transcripts); c.1798_1799dup, p.Thr603fs (NM_001244810.2); c.1522_1523dup, p.Thr511fs (NM_001244812.3); c.1750_1751dup (NM_032682.5); short protein forms T486fs, T487fs, T511fs, T586fs, T587fs, T603fs.
Identifiers: ClinVar variation 3777109 (VCV003777109.1).